The following is an entry in ClinVar:

NM_001267550.2(TTN):c.189T>C (p.Ala63=)

Gene: TTN (titin; minus strand). Cytogenetic location: 2q31.2.
Variant type: single nucleotide variant.
Coding change: c.189T>C on transcript NM_001267550.2 (MANE Select); coding-DNA position 189, T replaced by C.
Protein change: p.Ala63=; no amino-acid change (alanine 63 retained).
Molecular consequence: synonymous variant.
Genome position (GRCh38, 1-based): chr2:178,802,244, A>G on the plus strand (T>C on the coding strand, the complement: TTN is on the minus strand). VCF-style: chr2-178802244-A-G. GRCh37 (hg19) VCF-style: chr2-179666971-A-G.
Other names: c.189T>C, p.Ala63= (NM_001256850.1, NM_003319.4, NM_133378.4 and 3 more transcripts).
Identifiers: ClinVar variation 378797 (VCV000378797.13), dbSNP rs1057520389, ClinGen allele CA16604066.
Genomic context (GRCh38, chr2:178,802,244, plus strand): 5'-GGTGGCTTTCAGGGAATATCGTCCACTGTTGGCTTTAGTCACGGCGGGGATCGTCAGTTT[A>G]GCGCGGCCATCGCTAAAGGAGATCTGCACGCCGGGCAGAGTGGAAGTGGAAATCACCTGG-3'
Protein context (NP_001254479.2, residues 53-73): GVQISFSDGR[Ala63=]KLTIPAVTKA

ClinVar aggregate classification (germline): Likely benign. Review status: criteria provided, multiple submitters, no conflicts (2 of 4 stars). 3 submissions from 3 submitters: Likely benign (3). Last evaluated 2024-07-24.

Conditions:
Cardiovascular phenotype. Identifiers: MedGen CN230736.
Dilated cardiomyopathy 1G (CMD1G). Identifiers: Orphanet 154, MedGen C1858763, MONDO:0011400, OMIM 604145.
Autosomal recessive limb-girdle muscular dystrophy type 2J (LGMDR10). Also called: Limb-girdle muscular dystrophy, type 2J; MUSCULAR DYSTROPHY, LIMB-GIRDLE, AUTOSOMAL RECESSIVE 10. Identifiers: Orphanet 140922, MedGen C1837342, MONDO:0012127, OMIM 608807.

Allele frequency attached by ClinVar (database versions not stated): TOPMed below 0.00001; gnomAD 0.00001; gnomAD exomes 0.00001.
gnomAD v4.1: 13 of 1,613,968 alleles (0.00081%); highest among the groups gnomAD compares: Non-Finnish European, 0.001%; no homozygotes.

Submissions (3):

Labcorp Genetics (formerly Invitae), Labcorp
Classification: Likely benign for Dilated cardiomyopathy 1G; Autosomal recessive limb-girdle muscular dystrophy type 2J. Last evaluated: 2024-07-24. Review status: criteria provided, single submitter. Criteria: Invitae Variant Classification Sherloc (09022015). Collection method: clinical testing. Allele origin: germline.

Ambry Genetics
Classification: Likely benign for Cardiovascular phenotype. Last evaluated: 2021-04-14. Review status: criteria provided, single submitter. Criteria: Ambry Variant Classification Scheme 2023. Collection method: clinical testing. Allele origin: germline.

GeneDx
Classification: Likely benign. Last evaluated: 2016-06-14. Review status: criteria provided, single submitter. Criteria: GeneDx Variant Classification (06012015). Collection method: clinical testing. Allele origin: germline. Affected: yes.
Comment: This variant is considered likely benign or benign based on one or more of the following criteria: it is a conservative change, it occurs at a poorly conserved position in the protein, it is predicted to be benign by multiple in silico algorithms, and/or has population frequency not consistent with disease.